The following is an entry in ClinVar:

ClinVar aggregate classification (germline): Uncertain significance (1 of 4 stars; one submission).

gnomAD v4.1: 17 of 1,210,664 alleles (0.0014%); highest among the groups gnomAD compares: Admixed American, 0.0065%; no homozygotes.

Submission:

Labcorp Genetics (formerly Invitae), Labcorp
Classification: Uncertain significance. Last evaluated: 2024-07-31. Review status: criteria provided, single submitter. Criteria: Invitae Variant Classification Sherloc (09022015). Collection method: clinical testing. Allele origin: germline.
Comment: This sequence change affects codon 8 of the AVPR2 mRNA. It is a 'silent' change, meaning that it does not change the encoded amino acid sequence of the AVPR2 protein. It affects a nucleotide within the consensus splice site. This variant is present in population databases (rs201419746, gnomAD 0.01%). This variant has not been reported in the literature in individuals affected with AVPR2-related conditions. Algorithms developed to predict the effect of sequence changes on RNA splicing suggest that this variant is not likely to affect RNA splicing. In summary, the available evidence is currently insufficient to determine the role of this variant in disease. Therefore, it has been classified as a Variant of Uncertain Significance.

NM_000054.7(AVPR2):c.24C>T (p.Ser8=)

Gene: AVPR2 (arginine vasopressin receptor 2; plus strand). Cytogenetic location: Xq28.
Variant type: single nucleotide variant.
Coding change: c.24C>T on transcript NM_000054.7 (MANE Select); coding-DNA position 24, C replaced by T.
Protein change: p.Ser8=; no amino-acid change (serine 8 retained).
Molecular consequence: synonymous variant. On other transcripts: non-coding transcript variant (1).
Genome position (GRCh38, 1-based): chrX:153,905,169, C>T. VCF-style: chrX-153905169-C-T. GRCh37 (hg19) VCF-style: chrX-153170623-C-T.
Other names: c.24C>T, p.Ser8= (NM_001146151.3).
Identifiers: ClinVar variation 3711626 (VCV003711626.2).